The following is an entry in ClinVar:

NM_025074.7(FRAS1):c.5205C>A (p.His1735Gln)

Gene: FRAS1 (Fraser extracellular matrix complex subunit 1; plus strand). Cytogenetic location: 4q21.21.
Variant type: single nucleotide variant.
Coding change: c.5205C>A on transcript NM_025074.7 (MANE Select); coding-DNA position 5205, C replaced by A.
Protein change: p.His1735Gln; replaces histidine 1735 with glutamine.
Molecular consequence: missense variant.
Genome position (GRCh38, 1-based): chr4:78,432,592, C>A. VCF-style: chr4-78432592-C-A. GRCh37 (hg19) VCF-style: chr4-79353746-C-A.
Other names: c.5205C>A, p.His1735Gln (NM_001166133.2); short protein forms H1735Q.
Identifiers: ClinVar variation 285557 (VCV000285557.15), dbSNP rs533608491, ClinGen allele CA2977440.

ClinVar aggregate classification (germline): Uncertain significance. Review status: criteria provided, multiple submitters, no conflicts (2 of 4 stars). 6 submissions from 6 submitters: Uncertain significance (6). Last evaluated 2024-08-09.

Conditions:
Fraser syndrome 1 (FRASRS1). Also called: CRYPTOPHTHALMOS WITH OTHER MALFORMATIONS. Identifiers: Orphanet 2052, MedGen C4551480, MONDO:0054737, OMIM 219000.

Allele frequency attached by ClinVar (database versions not stated): TOPMed 0.00007.
gnomAD v4.1: 189 of 1,581,812 alleles (0.012%); highest among the groups gnomAD compares: Middle Eastern, 0.12%; 1 homozygote.

Submissions (6):

Women's Health and Genetics/Laboratory Corporation of America, LabCorp
Classification: Uncertain significance. Last evaluated: 2024-08-09. Review status: criteria provided, single submitter. Criteria: LabCorp Variant Classification Summary - May 2015. Collection method: clinical testing. Allele origin: germline.
Comment: Variant summary: FRAS1 c.5205C>A (p.His1735Gln) results in a non-conservative amino acid change in the encoded protein sequence. Four of five in-silico tools predict a damaging effect of the variant on protein function. The variant allele was found at a frequency of 0.00017 in 229916 control chromosomes. This frequency is not significantly higher than estimated for a pathogenic variant in FRAS1 causing Cryptophthalmos Syndrome, allowing no conclusion about variant significance. c.5205C>A has been reported in the literature in at least one compound heterozygous individual affected with multiple fetal abnormalities (Carss_2014). These report(s) do not provide unequivocal conclusions about association of the variant with Cryptophthalmos Syndrome. To our knowledge, no experimental evidence demonstrating an impact on protein function has been reported. The following publication has been ascertained in the context of this evaluation (PMID: 24476948). ClinVar contains an entry for this variant (Variation ID: 285557). Based on the evidence outlined above, the variant was classified as uncertain significance.

Fulgent Genetics
Classification: Uncertain significance for Fraser syndrome 1. Last evaluated: 2024-02-19. Review status: criteria provided, single submitter. Criteria: ACMG Guidelines, 2015. Collection method: clinical testing. Allele origin: germline.

Labcorp Genetics (formerly Invitae), Labcorp
Classification: Uncertain significance. Last evaluated: 2022-08-12. Review status: criteria provided, single submitter. Criteria: Invitae Variant Classification Sherloc (09022015). Collection method: clinical testing. Allele origin: germline.
Comment: This sequence change replaces histidine, which is basic and polar, with glutamine, which is neutral and polar, at codon 1735 of the FRAS1 protein (p.His1735Gln). This variant is present in population databases (rs533608491, gnomAD 0.06%). This missense change has been observed in individual(s) with multiple congenital abnormalities (PMID: 24476948). ClinVar contains an entry for this variant (Variation ID: 285557). Algorithms developed to predict the effect of missense changes on protein structure and function are either unavailable or do not agree on the potential impact of this missense change (SIFT: "Deleterious"; PolyPhen-2: "Possibly Damaging"; Align-GVGD: "Class C15"). In summary, the available evidence is currently insufficient to determine the role of this variant in disease. Therefore, it has been classified as a Variant of Uncertain Significance.

Department of Pathology and Laboratory Medicine, Sinai Health System
Classification: Uncertain significance for Fraser syndrome 1. Last evaluated: 2022-07-27. Review status: criteria provided, single submitter. Criteria: ACMG Guidelines, 2015. Collection method: research. Allele origin: germline.

Revvity Omics, Revvity
Classification: Uncertain significance for Fraser syndrome 1. Last evaluated: 2019-08-07. Review status: criteria provided, single submitter. Criteria: ACMG Guidelines, 2015. Collection method: clinical testing. Allele origin: germline.

Eurofins Ntd Llc (ga)
Classification: Uncertain significance. Last evaluated: 2015-12-29. Review status: criteria provided, single submitter. Criteria: EGL Classification Definitions 2015. Collection method: clinical testing. Allele origin: germline. Observed: 4 variant alleles, 4 heterozygotes.

Literature cited by the submitters: PubMed 24476948 (cited by Women's Health and Genetics/Laboratory Corporation of America, LabCorp and Labcorp Genetics (formerly Invitae), Labcorp).